The following is an entry in ClinVar:

NM_001130987.2(DYSF):c.754_759+5del

Gene: DYSF (dysferlin; plus strand). Cytogenetic location: 2p13.2.
Variant type: Deletion.
Coding change: c.754_759+5del on transcript NM_001130987.2 (MANE Select); coding-DNA position 754 through 5 bases into the intron after coding-DNA position 759, 11 bases deleted (TTCCAGGTGAT).
Molecular consequence: splice donor variant.
Genome position (GRCh38, 1-based): chr2:71,513,916-71,513,926, TTCCAGGTGAT deleted; deleting any 11 consecutive bases within chr2:71,513,913-71,513,926 gives the same sequence; the c. name uses the placement nearest the transcript's 3' end. VCF-style (leftmost placement, unchanged base first): chr2-71513912-GGATTTCCAGGT-G. GRCh37 (hg19) VCF-style: chr2-71741042-GGATTTCCAGGT-G.
Other names: c.751_756+5del (NM_001130979.2, NM_001130981.2, NM_001130980.2); c.658_663+5del (NM_001130978.2, NM_003494.4, NM_001130977.2 and 1 more transcripts); c.754_759+5del (NM_001130982.2, NM_001130985.2); c.661_666+5del (NM_001130983.2, NM_001130455.2, NM_001130984.2 and 1 more transcripts).
Identifiers: ClinVar variation 936135 (VCV000936135.14), dbSNP rs1433612344, ClinGen allele CA892710082.

ClinVar aggregate classification (germline): Pathogenic/Likely pathogenic. Review status: criteria provided, multiple submitters, no conflicts (2 of 4 stars). 5 submissions from 5 submitters: Pathogenic (1); Likely pathogenic (4). Last evaluated 2025-06-03.

Conditions:
Autosomal recessive limb-girdle muscular dystrophy. Identifiers: Orphanet 102015, MedGen C2931907, MONDO:0015152.
Distal myopathy with anterior tibial onset. Identifiers: Orphanet 178400, MedGen C1847532, MONDO:0011721, OMIM 606768.
Miyoshi muscular dystrophy 1 (MMD1). Identifiers: Orphanet 45448, MedGen C4551973, MONDO:0024545, OMIM 254130.
Autosomal recessive limb-girdle muscular dystrophy type 2B (LGMDR2). Also called: Limb-girdle muscular dystrophy, type 2B; MUSCULAR DYSTROPHY, LIMB-GIRDLE, AUTOSOMAL RECESSIVE 2; Limb-Girdle Muscular Dystrophy Type 2B (LGMD2B); MUSCULAR DYSTROPHY, LIMB-GIRDLE, TYPE 3. Identifiers: Orphanet 268, MedGen C1850889, MONDO:0009676, OMIM 253601.
Neuromuscular disease caused by qualitative or quantitative defects of dysferlin. Also called: Qualitative or quantitative defects of dysferlin; Dysferlinopathy. Identifiers: Orphanet 207073, MedGen C2931687, MONDO:0016145.

Submissions (5):

Myriad Genetics, Inc.
Classification: Pathogenic for Autosomal recessive limb-girdle muscular dystrophy. Last evaluated: 2025-06-03. Review status: criteria provided, single submitter. Criteria: Myriad Autosomal Dominant, Autosomal Recessive and X-Linked Classification Criteria (2023). Collection method: clinical testing. Allele origin: unknown.
Comment: NM_003494.3(DYSF):c.658_663+5del11 is a variant in a canonical splice site classified as pathogenic in the context of dysferlinopathy. c.658_663+5del11 has not been observed in cases with relevant disease. Relevant functional assessments of this variant are not available in the literature. c.658_663+5del11 has been observed in referenced population frequency databases. In summary, NM_003494.3(DYSF):c.658_663+5del11 is a variant in a canonical splice site in a gene where loss of function is a known mechanism of disease and is predicted to disrupt protein function. Please note: this variant was assessed in the context of healthy population screening.

Fulgent Genetics
Classification: Likely pathogenic for Autosomal recessive limb-girdle muscular dystrophy type 2B; Miyoshi muscular dystrophy 1; Distal myopathy with anterior tibial onset. Last evaluated: 2024-05-25. Review status: criteria provided, single submitter. Criteria: ACMG Guidelines, 2015. Collection method: clinical testing. Allele origin: germline.

GeneDx
Classification: Likely pathogenic. Last evaluated: 2024-04-05. Review status: criteria provided, single submitter. Criteria: GeneDx Variant Classification Process June 2021. Collection method: clinical testing. Allele origin: germline. Affected: yes.
Comment: Canonical splice site variant predicted to result in a null allele in a gene for which loss of function is a known mechanism of disease; Not observed in large population cohorts (gnomAD); Has not been previously published as pathogenic or benign to our knowledge

Labcorp Genetics (formerly Invitae), Labcorp
Classification: Likely pathogenic for Neuromuscular disease caused by qualitative or quantitative defects of dysferlin. Last evaluated: 2024-02-19. Review status: criteria provided, single submitter. Criteria: Invitae Variant Classification Sherloc (09022015). Collection method: clinical testing. Allele origin: germline.
Comment: This variant results in the deletion of part of exon 6 (c.658_663+5del) of the DYSF gene. It is expected to disrupt RNA splicing. Variants that disrupt the donor or acceptor splice site typically lead to a loss of protein function (PMID: 16199547), and loss-of-function variants in DYSF are known to be pathogenic (PMID: 17698709, 20301480). This variant is not present in population databases (gnomAD no frequency). This variant has not been reported in the literature in individuals affected with DYSF-related conditions. ClinVar contains an entry for this variant (Variation ID: 936135). In summary, the currently available evidence indicates that the variant is pathogenic, but additional data are needed to prove that conclusively. Therefore, this variant has been classified as Likely Pathogenic.

Baylor Genetics
Classification: Likely pathogenic for Miyoshi muscular dystrophy 1. Last evaluated: 2023-12-05. Review status: criteria provided, single submitter. Criteria: ACMG Guidelines, 2015. Collection method: clinical testing. Allele origin: unknown.

Literature cited by the submitters: PubMed 16199547 (cited by Labcorp Genetics (formerly Invitae), Labcorp); PubMed 17698709 (cited by Labcorp Genetics (formerly Invitae), Labcorp); PubMed 20301480 (cited by Labcorp Genetics (formerly Invitae), Labcorp).